The following is an entry in ClinVar:

NM_001382.3(DPAGT1):c.-747T>C

Genes: C2CD2L (C2CD2 like; plus strand), DPAGT1 (dolichyl-phosphate N-acetylglucosaminephosphotransferase 1; minus strand), LOC126861360 (BRD4-independent group 4 enhancer GRCh37_chr11:118972216-118973415; plus strand). Cytogenetic location: 11q23.3.
Variant type: single nucleotide variant.
Coding change: c.-747T>C on transcript NM_001382.3; 747 bases upstream of the start codon, T replaced by C.
Genome position (GRCh38, 1-based): chr11:119,102,402, A>G on the plus strand (T>C on the coding strand, the complement: DPAGT1 is on the minus strand). VCF-style: chr11-119102402-A-G. GRCh37 (hg19) VCF-style: chr11-118973112-A-G.
Identifiers: ClinVar variation 680555 (VCV000680555.3), dbSNP rs3825060, ClinGen allele CA6314768.

ClinVar aggregate classification (germline): Benign (1 of 4 stars; one submission).

Allele frequency attached by ClinVar (database versions not stated): gnomAD 0.95852 and 0.96562; ExAC 0.89981; TOPMed 0.96677; 1000 Genomes Project 0.90176; 1000 Genomes Project 30x 0.90756; gnomAD exomes 0.92637 and 0.93050.
gnomAD v4.1: 430,146 of 457,366 alleles (94%); highest among the groups gnomAD compares: African/African-American, 98%; 203,239 homozygotes.

Submission:

GeneDx
Classification: Benign. Last evaluated: 2018-06-16. Review status: criteria provided, single submitter. Criteria: GeneDx Variant Classification (06012015). Collection method: clinical testing. Allele origin: germline. Affected: yes.
Comment: This variant is considered likely benign or benign based on one or more of the following criteria: it is a conservative change, it occurs at a poorly conserved position in the protein, it is predicted to be benign by multiple in silico algorithms, and/or has population frequency not consistent with disease.